The following is an entry in ClinVar:

NM_005902.4(SMAD3):c.929A>G (p.Asp310Gly)

Gene: SMAD3 (SMAD family member 3; plus strand). Cytogenetic location: 15q22.33.
Variant type: single nucleotide variant.
Coding change: c.929A>G on transcript NM_005902.4 (MANE Select); coding-DNA position 929, A replaced by G.
Protein change: p.Asp310Gly; replaces aspartic acid 310 with glycine.
Molecular consequence: missense variant. On other transcripts: intron variant (1).
Genome position (GRCh38, 1-based): chr15:67,184,784, A>G. VCF-style: chr15-67184784-A-G. GRCh37 (hg19) VCF-style: chr15-67477122-A-G.
Other names: c.614A>G, p.Asp205Gly (NM_001145102.2, NM_001407016.1); c.797A>G, p.Asp266Gly (NM_001145103.2, NM_001407012.1); c.344A>G, p.Asp115Gly (NM_001145104.2, NM_001407017.1); c.929A>G, p.Asp310Gly (NM_001407011.1); c.782A>G, p.Asp261Gly (NM_001407014.1); c.482A>G, p.Asp161Gly (NM_001407015.1); c.872-2581A>G (NM_001407013.1); short protein forms D115G, D161G, D205G, D261G, D266G, D310G.
Identifiers: ClinVar variation 3071429 (VCV003071429.1), dbSNP rs2505300338, ClinGen allele CA392956938.

ClinVar aggregate classification (germline): Uncertain significance (1 of 4 stars; one submission).

Conditions:
Aneurysm-osteoarthritis syndrome. Also called: SMAD3-Related Loeys-Dietz Syndrome; ANEURYSMS-OSTEOARTHRITIS SYNDROME; Loeys-Dietz syndrome, type 1C; LOEYS-DIETZ SYNDROME WITH OSTEOARTHRITIS. Identifiers: Orphanet 284984, MedGen C3151087, MONDO:0013426, OMIM 613795.

Submission:

All of Us Research Program, National Institutes of Health
Classification: Uncertain significance for Aneurysm-osteoarthritis syndrome. Last evaluated: 2023-05-31. Review status: criteria provided, single submitter. Criteria: ACMG Guidelines, 2015. Collection method: clinical testing. Allele origin: germline. Inheritance: Autosomal dominant inheritance. Observed: 1 variant allele, 1 heterozygote.
Comment: This study involves interpretation of variants in research participants for the purpose of population health screening. Participant phenotype was not available at the time of variant classification. Additional details can be found in publication PMID: 35346344, PMCID: PMC8962531